The following is an entry in ClinVar:

ClinVar aggregate classification (germline): Conflicting classifications of pathogenicity. Review status: criteria provided, conflicting classifications (1 of 4 stars). 2 submissions from 2 submitters: Uncertain significance (1); Likely benign (1). Last evaluated 2024-07-19.

Conditions:
Primary ciliary dyskinesia. Also called: Ciliary dyskinesia. Identifiers: Orphanet 244, MedGen C0008780, MONDO:0016575, HP:0012265.

Submissions (2):

Labcorp Genetics (formerly Invitae), Labcorp
Classification: Uncertain significance for Primary ciliary dyskinesia. Last evaluated: 2024-07-19. Review status: criteria provided, single submitter. Criteria: Invitae Variant Classification Sherloc (09022015). Collection method: clinical testing. Allele origin: germline.
Comment: This variant, c.2750_2752del, results in the deletion of 1 amino acid(s) of the RPGR (ORF15) protein (p.Gly917del), but otherwise preserves the integrity of the reading frame. The frequency data for this variant in the population databases is considered unreliable, as metrics indicate poor data quality at this position in the gnomAD database. This variant has not been reported in the literature in individuals affected with RPGR (ORF15)-related conditions. ClinVar contains an entry for this variant (Variation ID: 2037518). Experimental studies and prediction algorithms are not available or were not evaluated, and the functional significance of this variant is currently unknown. In summary, the available evidence is currently insufficient to determine the role of this variant in disease. Therefore, it has been classified as a Variant of Uncertain Significance.

PreventionGenetics, part of Exact Sciences
Classification: Likely benign. Last evaluated: 2022-11-15. Review status: criteria provided, single submitter. Criteria: ACMG Guidelines, 2015. Collection method: clinical testing. Allele origin: germline.

NM_001034853.2(RPGR):c.2750_2752del (p.Gly917del)

Gene: RPGR (retinitis pigmentosa GTPase regulator; minus strand). Cytogenetic location: Xp11.4.
Variant type: Deletion.
Coding change: c.2750_2752del on transcript NM_001034853.2 (MANE Select); coding-DNA positions 2750 to 2752, 3 bases deleted (GAG; older notation c.2750_2752delGAG).
Protein change: p.Gly917del; deletes glycine 917.
Molecular consequence: inframe deletion. On other transcripts: intron variant (8).
Genome position (GRCh38, 1-based): chrX:38,286,247-38,286,249, CTC deleted on the plus strand (GAG on the coding strand, the reverse complement: RPGR is on the minus strand); deleting any 3 consecutive bases within chrX:38,286,247-38,286,251 gives the same sequence; the c. name uses the placement nearest the transcript's 3' end. VCF-style (leftmost placement, unchanged base first): chrX-38286246-TCTC-T. GRCh37 (hg19) VCF-style: chrX-38145499-TCTC-T.
Other names: c.2750_2752del (NM_001034853.1); c.1569+4710_1569+4712del (NM_001367249.1, NM_001367250.1); c.1902+845_1902+847del (NM_001367245.1); c.1386+4710_1386+4712del (NM_001367251.1); c.1719+845_1719+847del (NM_001367246.1); c.1572+4710_1572+4712del (NM_001367247.1); c.1905+845_1905+847del (NM_000328.3); c.1602+4710_1602+4712del (NM_001367248.1); short protein forms G917del.
Identifiers: ClinVar variation 2037518 (VCV002037518.5), dbSNP rs1462676823, ClinGen allele CA640957208.